The following is an entry in ClinVar:

ClinVar aggregate classification (germline): Uncertain significance (1 of 4 stars; one submission).

Conditions:
Alagille syndrome due to a JAG1 point mutation. Also called: HEPATIC DUCTULAR HYPOPLASIA, SYNDROMATIC; JAG1-Related Alagille Syndrome; Alagille Syndrome 1. Identifiers: Orphanet 261619, Orphanet 52, MedGen C1956125, MONDO:0016862, OMIM 118450.

gnomAD v4.1: 3 of 1,613,256 alleles (0.00019%); highest among the groups gnomAD compares: Non-Finnish European, 0.00025%; no homozygotes.

Submissions (2):

Labcorp Genetics (formerly Invitae), Labcorp
Classification: Uncertain significance for Alagille syndrome due to a JAG1 point mutation. Last evaluated: 2022-03-09. Review status: criteria provided, single submitter. Criteria: Invitae Variant Classification Sherloc (09022015). Collection method: clinical testing. Allele origin: germline.
Comment: In summary, the available evidence is currently insufficient to determine the role of this variant in disease. Therefore, it has been classified as a Variant of Uncertain Significance. Algorithms developed to predict the effect of missense changes on protein structure and function are either unavailable or do not agree on the potential impact of this missense change (SIFT: "Tolerated"; PolyPhen-2: "Possibly Damaging"; Align-GVGD: "Class C0"). This variant has not been reported in the literature in individuals affected with JAG1-related conditions. This variant is not present in population databases (gnomAD no frequency). This sequence change replaces threonine, which is neutral and polar, with arginine, which is basic and polar, at codon 87 of the JAG1 protein (p.Thr87Arg).

Gilbert/Spinner Lab, Children's Hospital of Philadelphia
No classification provided (evidence only). Condition: Alagille syndrome. Review status: no classification provided. Collection method: research. Allele origin: not applicable. Functional consequence: functionally_abnormal. Not counted in ClinVar's aggregate classification.
ClinVar note: "not provided" was previously submitted as the classification for the variant. However, the classification appeared to be based only on an observation of functional data so it was converted to no classification on 2025-07-30.

NM_000214.3(JAG1):c.260C>G (p.Thr87Arg)

Gene: JAG1 (jagged canonical Notch ligand 1; minus strand). Cytogenetic location: 20p12.2.
Variant type: single nucleotide variant.
Coding change: c.260C>G on transcript NM_000214.3 (MANE Select); coding-DNA position 260, C replaced by G.
Protein change: p.Thr87Arg; replaces threonine 87 with arginine.
Molecular consequence: missense variant.
Genome position (GRCh38, 1-based): chr20:10,672,828, G>C on the plus strand (C>G on the coding strand, the complement: JAG1 is on the minus strand). VCF-style: chr20-10672828-G-C. GRCh37 (hg19) VCF-style: chr20-10653476-G-C.
Other names: short protein forms T87R.
Identifiers: ClinVar variation 2039123 (VCV002039123.6), dbSNP rs776251575, ClinGen allele CA408243000.